The following is an entry in ClinVar:

NM_002439.5(MSH3):c.2711C>T (p.Ser904Phe)

Gene: MSH3 (mutS homolog 3; plus strand). Cytogenetic location: 5q14.1.
Variant type: single nucleotide variant.
Coding change: c.2711C>T on transcript NM_002439.5 (MANE Select); coding-DNA position 2711, C replaced by T.
Protein change: p.Ser904Phe; replaces serine 904 with phenylalanine.
Molecular consequence: missense variant.
Genome position (GRCh38, 1-based): chr5:80,813,639, C>T. VCF-style: chr5-80813639-C-T. GRCh37 (hg19) VCF-style: chr5-80109458-C-T.
Other names: short protein forms S904F.
Identifiers: ClinVar variation 1445677 (VCV001445677.11), dbSNP rs1561486672, ClinGen allele CA360273923.

ClinVar aggregate classification (germline): Uncertain significance. Review status: criteria provided, multiple submitters, no conflicts (2 of 4 stars). 2 submissions from 2 submitters: Uncertain significance (2). Last evaluated 2024-09-26.

Conditions:
Hereditary cancer-predisposing syndrome. Also called: Tumor predisposition; Hereditary Cancer Syndrome; Hereditary neoplastic syndrome; Neoplastic Syndromes, Hereditary. Identifiers: Orphanet 140162, MedGen C0027672, MeSH D009386, MONDO:0015356.

Submissions (2):

Ambry Genetics
Classification: Uncertain significance for Hereditary cancer-predisposing syndrome. Last evaluated: 2024-09-26. Review status: criteria provided, single submitter. Criteria: Ambry Variant Classification Scheme 2023. Collection method: clinical testing. Allele origin: germline.

Labcorp Genetics (formerly Invitae), Labcorp
Classification: Uncertain significance. Last evaluated: 2024-02-11. Review status: criteria provided, single submitter. Criteria: Invitae Variant Classification Sherloc (09022015). Collection method: clinical testing. Allele origin: germline.
Comment: This sequence change replaces serine, which is neutral and polar, with phenylalanine, which is neutral and non-polar, at codon 904 of the MSH3 protein (p.Ser904Phe). This variant is not present in population databases (gnomAD no frequency). This variant has not been reported in the literature in individuals affected with MSH3-related conditions. ClinVar contains an entry for this variant (Variation ID: 1445677). An algorithm developed to predict the effect of missense changes on protein structure and function (PolyPhen-2) suggests that this variant is likely to be disruptive. In summary, the available evidence is currently insufficient to determine the role of this variant in disease. Therefore, it has been classified as a Variant of Uncertain Significance.